The following is an entry in ClinVar:

ClinVar aggregate classification (germline): Benign/Likely benign. Review status: criteria provided, multiple submitters, no conflicts (2 of 4 stars). 7 submissions from 7 submitters: Benign (2); Likely benign (5). Last evaluated 2026-06-01.

Conditions:
Inborn genetic diseases. Identifiers: MedGen C0950123, MeSH D030342.
Intellectual disability-microcephaly-strabismus-behavioral abnormalities syndrome. Also called: White-Sutton Syndrome. Identifiers: Orphanet 468678, MedGen C4225351, MONDO:0014606, OMIM 616364.

Allele frequency attached by ClinVar (database versions not stated): gnomAD 0.00102 and 0.00109; ESP Exome Variant Server 0.00138; 1000 Genomes Project 30x 0.00141; TOPMed 0.00141; 1000 Genomes Project 0.00160.
gnomAD v4.1: 541 of 1,614,008 alleles (0.034%); highest among the groups gnomAD compares: African/African-American, 0.34%; no homozygotes.

Submissions (7):

CeGaT Center for Human Genetics Tuebingen
Classification: Likely benign. Last evaluated: 2026-06-01. Review status: criteria provided, single submitter. Criteria: CeGaT Center For Human Genetics Tuebingen Variant Classification Criteria Version 2. Collection method: clinical testing. Allele origin: germline. Affected: yes. Observed: 4 variant alleles.
Comment: POGZ: BP4, BP7

Blueprint Genetics
Classification: Likely benign. Last evaluated: 2024-11-25. Review status: criteria provided, single submitter. Criteria: ACMG Guidelines, 2015. Collection method: clinical testing. Allele origin: germline.

Genome-Nilou Lab
Classification: Likely benign for Intellectual disability-microcephaly-strabismus-behavioral abnormalities syndrome. Last evaluated: 2023-04-11. Review status: criteria provided, single submitter. Criteria: ACMG Guidelines, 2015. Collection method: clinical testing. Allele origin: germline. Affected: no.

GeneDx
Classification: Benign. Last evaluated: 2019-09-13. Review status: criteria provided, single submitter. Criteria: GeneDx Variant Classification Process June 2021. Collection method: clinical testing. Allele origin: germline. Affected: yes.

Labcorp Genetics (formerly Invitae), Labcorp
Classification: Benign. Last evaluated: 2018-07-31. Review status: criteria provided, single submitter. Criteria: Invitae Variant Classification Sherloc (09022015). Collection method: clinical testing. Allele origin: germline.

Ambry Genetics
Classification: Likely benign for Inborn genetic diseases. Last evaluated: 2016-10-10. Review status: criteria provided, single submitter. Criteria: Ambry Variant Classification Scheme 2023. Collection method: clinical testing. Allele origin: germline.

Breakthrough Genomics
Classification: Likely benign. Review status: criteria provided, single submitter. Criteria: ACMG Guidelines, 2015. Collection method: not provided. Allele origin: germline. Inheritance: Autosomal dominant inheritance. Affected: yes.

NM_015100.4(POGZ):c.753C>T (p.Ser251=)

Gene: POGZ (pogo transposable element derived with ZNF domain; minus strand). Cytogenetic location: 1q21.3.
Variant type: single nucleotide variant.
Coding change: c.753C>T on transcript NM_015100.4 (MANE Select); coding-DNA position 753, C replaced by T.
Protein change: p.Ser251=; no amino-acid change (serine 251 retained).
Molecular consequence: synonymous variant.
Genome position (GRCh38, 1-based): chr1:151,428,229, G>A on the plus strand (C>T on the coding strand, the complement: POGZ is on the minus strand). VCF-style: chr1-151428229-G-A. GRCh37 (hg19) VCF-style: chr1-151400705-G-A.
Other names: c.753C>T, p.Ser251= (NM_001194937.2); c.594C>T, p.Ser198= (NM_001194938.2, NM_207171.2); c.468C>T, p.Ser156= (NM_145796.4).
Identifiers: ClinVar variation 588326 (VCV000588326.35), dbSNP rs142434646, ClinGen allele CA1091573.